The following is an entry in ClinVar:

ClinVar aggregate classification (germline): Conflicting classifications of pathogenicity. Review status: criteria provided, conflicting classifications (1 of 4 stars). 5 submissions from 5 submitters: Pathogenic (3); Likely pathogenic (1); Uncertain significance (1). Last evaluated 2025-03-17.

Conditions:
Schaaf-Yang syndrome (SHFYNG). Also called: Arthrogryposis, distal, with hypopituitarism, intellectual disability, and facial anomalies; MAGEL2-related Prader-Willi-like syndrome. Identifiers: Orphanet 398069, MedGen C5575066, MONDO:0014243, OMIM 615547.
Inborn genetic diseases. Identifiers: MedGen C0950123, MeSH D030342.

Submissions (5):

Labcorp Genetics (formerly Invitae), Labcorp
Classification: Uncertain significance. Last evaluated: 2025-03-17. Review status: criteria provided, single submitter. Criteria: Invitae Variant Classification Sherloc (09022015). Collection method: clinical testing. Allele origin: germline.
Comment: This sequence change creates a premature translational stop signal (p.Val643Glyfs*70) in the MAGEL2 gene. While this is not anticipated to result in nonsense mediated decay, it is expected to disrupt the last 607 amino acid(s) of the MAGEL2 protein. This variant is not present in population databases (gnomAD no frequency). This variant has not been reported in the literature in individuals affected with MAGEL2-related conditions. ClinVar contains an entry for this variant (Variation ID: 2306671). In summary, the available evidence is currently insufficient to determine the role of this variant in disease. Therefore, it has been classified as a Variant of Uncertain Significance.

GeneDx
Classification: Pathogenic. Last evaluated: 2024-09-08. Review status: criteria provided, single submitter. Criteria: GeneDx Variant Classification Process June 2021. Collection method: clinical testing. Allele origin: germline. Affected: yes.
Comment: Identified in a patient belonging to a cohort of pediatric patients suspected of having an undiagnosed genetic disease in published literature (PMID: 35586607) but additional evidence is not available; Frameshift variant predicted to result in protein truncation, as the last 607 amino acids are replaced with 69 different amino acids, and other loss-of-function variants have been reported downstream in the Human Gene Mutation Database (HGMD); Not observed at significant frequency in large population cohorts (gnomAD); This variant is associated with the following publications: (PMID: 35586607)

Centrogen, Centro de Genomica y Genetica Clinica Guatemala
Classification: Pathogenic for Schaaf-Yang syndrome. Last evaluated: 2023-06-28. Review status: criteria provided, single submitter. Criteria: CENTROGEN Variant Classification V1 Aug 2026. Collection method: provider interpretation. Allele origin: de novo. Affected: yes. Observed: 1 variant allele, 1 heterozygote. Segregation with disease not observed.
Comment: NM_019066.4:c.1923dup is a single-nucleotide duplication that shifts the reading frame and introduces a premature termination codon. Loss of function through protein truncation is the established mechanism of disease for Schaaf-Yang syndrome. MAGEL2 is an intronless gene, so the transcript escapes nonsense-mediated decay; under the Abou Tayoun (2018) decision tree specified in Centrogen's criteria, PVS1 was modulated from very strong to strong. It is absent from gnomAD; Centrogen fixes PM2 at supporting strength following the ClinGen SVI recommendation. The proband's phenotype is consistent with Schaaf-Yang syndrome and alternative etiologies were reasonably excluded (PP4, supporting); the observed features are provided as HPO terms in the case-level data of this submission. The referring laboratory classified this variant as "likely pathogenic". Centrogen reinterpreted it on the basis of the de novo occurrence, the absence from population databases and the phenotypic concordance. Classification follows the ACMG/AMP point scale of Tavtigian (2020) with ClinGen SVI specifications, as described in Centrogen's assertion criteria document, where 10 points or more corresponds to pathogenic. Evidence applied: PVS1_Strong (+4), PS2 (+4), PM2 (+1), PP4 (+1). Total 10 points. Classified as pathogenic. Note: This variant was found in clinical genetic testing performed by one or more labs who may also submit to ClinVar. Therefore, any internal case data may overlap with the internal case data of other submitters. The classification and rationale are that of Centrogen, Centro de Genomica y Genetica Clinica Guatemala.

Ambry Genetics
Classification: Pathogenic for Inborn genetic diseases. Last evaluated: 2022-09-16. Review status: criteria provided, single submitter. Criteria: Ambry Variant Classification Scheme 2023. Collection method: clinical testing. Allele origin: germline.
Comment: The c.1923dupC (p.V643Gfs*70) alteration, located in exon 1 (coding exon 1) of the MAGEL2 gene, consists of a duplication of C at position 1923, causing a translational frameshift with a predicted alternate stop codon after 70 amino acids. Frameshifts are typically deleterious in nature; however, because MAGEL2 is a single-exon gene this alteration is not expected to trigger nonsense-mediated mRNA decay and an altered protein could still be expressed (Maquat, 2004). This alteration impacts the last 607 amino acids of the protein and the exact functional impact of these amino acids is unknown at this time; however, a significant portion of the protein is affected and similar truncating alterations have been reported in the literature as disease-causing (Fountain, 2017; McCarthy, 2018). This variant was not reported in population-based cohorts in the Genome Aggregation Database (gnomAD). Based on the available evidence, this alteration is classified as pathogenic.

Revvity Omics, Revvity
Classification: Likely pathogenic for Schaaf-Yang syndrome. Last evaluated: 2021-11-23. Review status: criteria provided, single submitter. Criteria: ACMG Guidelines, 2015. Collection method: clinical testing. Allele origin: germline.

Literature cited by the submitters: PubMed 27195816 (cited by Ambry Genetics); PubMed 30302899 (cited by Ambry Genetics).

NM_019066.5(MAGEL2):c.1923dup (p.Val643fs)

Gene: MAGEL2 (MAGE family member L2; minus strand). Cytogenetic location: 15q11.2.
Variant type: Duplication.
Coding change: c.1923dup on transcript NM_019066.5 (MANE Select); coding-DNA position 1923, one base duplicated (C; older notation c.1923dupC).
Protein change: p.Val643fs; shifts the reading frame from valine 643.
Molecular consequence: frameshift variant.
Genome position (GRCh38, 1-based): chr15:23,645,820, G duplicated on the plus strand (C on the coding strand, the reverse complement: MAGEL2 is on the minus strand); the first of 6 consecutive G bases (chr15:23,645,820-23,645,825); duplicating any one gives the same sequence. VCF-style (leftmost placement, unchanged base first): chr15-23645819-A-AG. GRCh37 (hg19) VCF-style: chr15-23890966-A-AG.
Other names: c.1923dup (NM_019066.4); short protein forms V643fs.
Identifiers: ClinVar variation 2306671 (VCV002306671.10), dbSNP rs2503979002, ClinGen allele CA2580089138.